The following is an entry in ClinVar:

NM_033109.5(PNPT1):c.1248-16T>C

Gene: PNPT1 (polyribonucleotide nucleotidyltransferase 1; minus strand). Cytogenetic location: 2p16.1.
Variant type: single nucleotide variant.
Coding change: c.1248-16T>C on transcript NM_033109.5 (MANE Select); 16 bases into the intron before coding-DNA position 1248, T replaced by C.
Molecular consequence: intron variant.
Genome position (GRCh38, 1-based): chr2:55,660,209, A>G on the plus strand (T>C on the coding strand, the complement: PNPT1 is on the minus strand). VCF-style: chr2-55660209-A-G. GRCh37 (hg19) VCF-style: chr2-55887344-A-G.
Identifiers: ClinVar variation 382973 (VCV000382973.8), dbSNP rs374813287, ClinGen allele CA1668159.

ClinVar aggregate classification (germline): Likely benign. Review status: criteria provided, multiple submitters, no conflicts (2 of 4 stars). 2 submissions from 2 submitters: Likely benign (2). Last evaluated 2025-12-23.

Allele frequency attached by ClinVar (database versions not stated): gnomAD exomes 0.00003 and 0.00008; ExAC 0.00008; ESP Exome Variant Server 0.00016; gnomAD 0.00036 and 0.00041; TOPMed 0.00045.
gnomAD v4.1: 93 of 1,579,614 alleles (0.0059%); highest among the groups gnomAD compares: African/African-American, 0.1%; no homozygotes.

Submissions (2):

Labcorp Genetics (formerly Invitae), Labcorp
Classification: Likely benign. Last evaluated: 2025-12-23. Review status: criteria provided, single submitter. Criteria: Invitae Variant Classification Sherloc (09022015). Collection method: clinical testing. Allele origin: germline.

GeneDx
Classification: Likely benign. Last evaluated: 2018-02-02. Review status: criteria provided, single submitter. Criteria: GeneDx Variant Classification (06012015). Collection method: clinical testing. Allele origin: germline. Affected: yes.
Comment: This variant is considered likely benign or benign based on one or more of the following criteria: it is a conservative change, it occurs at a poorly conserved position in the protein, it is predicted to be benign by multiple in silico algorithms, and/or has population frequency not consistent with disease.